The following is an entry in ClinVar:

ClinVar aggregate classification (germline): Conflicting classifications of pathogenicity. Review status: criteria provided, conflicting classifications (1 of 4 stars). 10 submissions from 9 submitters: Uncertain significance (2); Benign (2); Likely benign (3). 3 of the submissions do not count toward it. Last evaluated 2026-05-14.

Conditions:
Autosomal dominant nonsyndromic hearing loss 17. Also called: Autosomal dominant nonsyndromic deafness 17; Deafness, autosomal dominant 17. Identifiers: Orphanet 90635, MedGen C1863659, MONDO:0011350, OMIM 603622.
Inborn genetic diseases. Identifiers: MedGen C0950123, MeSH D030342.
MYH9-related disorder. Identifiers: MedGen C1854520.

Allele frequency attached by ClinVar (database versions not stated): ExAC 0.00013; TOPMed 0.00013; gnomAD 0.00014 and 0.00015; gnomAD exomes 0.00014 and 0.00033; ESP Exome Variant Server 0.00023.
gnomAD v4.1: 484 of 1,614,084 alleles (0.03%); highest among the groups gnomAD compares: Non-Finnish European, 0.04%; no homozygotes.

Submissions (10):

Women's Health and Genetics/Laboratory Corporation of America, LabCorp
Classification: Likely benign. Last evaluated: 2026-05-14. Review status: criteria provided, single submitter. Criteria: LabCorp Variant Classification Summary - May 2015. Collection method: clinical testing. Allele origin: germline.
Comment: Variant summary: MYH9 c.32A>G (p.Tyr11Cys) results in a non-conservative amino acid change in the encoded protein sequence. Algorithms developed to predict the effect of missense changes on protein structure and function all suggest that this variant is likely to be disruptive. The variant allele was found at a frequency of 0.00014 in 249618 control chromosomes. To our knowledge, no occurrence of c.32A>G in individuals affected with MYH9-related conditions and no experimental evidence demonstrating its impact on protein function have been reported. ClinVar contains an entry for this variant (Variation ID: 504627). Based on the evidence outlined above, the variant was classified as likely benign.

Labcorp Genetics (formerly Invitae), Labcorp
Classification: Benign. Last evaluated: 2026-01-22. Review status: criteria provided, single submitter. Criteria: Invitae Variant Classification Sherloc (09022015). Collection method: clinical testing. Allele origin: germline.

Blueprint Genetics
Classification: Likely benign. Last evaluated: 2024-08-12. Review status: criteria provided, single submitter. Criteria: ACMG Guidelines, 2015. Collection method: clinical testing. Allele origin: germline.

Ambry Genetics
Classification: Uncertain significance for Inborn genetic diseases. Last evaluated: 2022-06-24. Review status: criteria provided, single submitter. Criteria: Ambry Variant Classification Scheme 2023. Collection method: clinical testing. Allele origin: germline.

Illumina Laboratory Services, Illumina
Classification: Likely benign for Autosomal dominant nonsyndromic hearing loss 17. Last evaluated: 2017-04-27. Review status: criteria provided, single submitter. Criteria: ICSL Variant Classification Criteria 13 December 2019. Collection method: clinical testing. Allele origin: germline.
Comment: This variant was observed as part of a predisposition screen in an ostensibly healthy population. A literature search was performed for the gene, cDNA change, and amino acid change (where applicable). No publications were found based on this search. Allele frequency data from public databases allowed determination this variant is unlikely to cause disease. Therefore, this variant is classified as likely benign.

Illumina Laboratory Services, Illumina
Classification: Benign for MYH9-related disorder. Last evaluated: 2017-04-27. Review status: criteria provided, single submitter. Criteria: ICSL Variant Classification Criteria 13 December 2019. Collection method: clinical testing. Allele origin: germline.
Comment: This variant was observed as part of a predisposition screen in an ostensibly healthy population. A literature search was performed for the gene, cDNA change, and amino acid change (where applicable). No publications were found based on this search. Allele frequency data from public databases was too high to be consistent with this variant causing disease. Therefore, this variant is classified as benign.

Laboratory for Molecular Medicine, Mass General Brigham Personalized Medicine
Classification: Uncertain significance. Last evaluated: 2016-11-23. Review status: criteria provided, single submitter. Criteria: LMM Criteria. Collection method: clinical testing. Allele origin: germline. Observed: 1 variant allele.
Comment: The p.Tyr11Cys variant in MYH9 has not been previously reported in individuals w ith hearing loss or MYH9-related disorders. This variant has been identified in 15/66420 European chromosomes by the Exome Aggregation Consortium (ExAC; dbSNP rs201415443); however, this frequency is not hig h enough to rule out a pathogenic role. Computational prediction tools and conse rvation analyses do not provide strong support for or against an impact to the p rotein. In summary, the clinical significance of this variant is uncertain.

PreventionGenetics, part of Exact Sciences
Classification: Uncertain significance for MYH9-related condition. Last evaluated: 2024-07-10. Review status: no assertion criteria provided. Collection method: clinical testing. Allele origin: germline. Not counted in ClinVar's aggregate classification.
Comment: The MYH9 c.32A>G variant is predicted to result in the amino acid substitution p.Tyr11Cys. To our knowledge, this variant has not been reported in the literature. This variant is reported in 0.028% of alleles in individuals of European (Non-Finnish) descent in gnomAD. Although we suspect that this variant may be benign, at this time, the clinical significance of this variant is uncertain due to the absence of conclusive functional and genetic evidence.

Joint Genome Diagnostic Labs from Nijmegen and Maastricht, Radboudumc and MUMC+
Classification: Likely benign. Review status: no assertion criteria provided. Collection method: clinical testing. Allele origin: germline. Affected: yes. Study: VKGL Data-share Consensus. Not counted in ClinVar's aggregate classification.

Laboratory of Diagnostic Genome Analysis, Leiden University Medical Center (LUMC)
Classification: Likely benign. Review status: no assertion criteria provided. Collection method: clinical testing. Allele origin: germline. Affected: yes. Study: VKGL Data-share Consensus. Not counted in ClinVar's aggregate classification.

NM_002473.6(MYH9):c.32A>G (p.Tyr11Cys)

Gene: MYH9 (myosin heavy chain 9; minus strand). Cytogenetic location: 22q12.3.
Variant type: single nucleotide variant.
Coding change: c.32A>G on transcript NM_002473.6 (MANE Select); coding-DNA position 32, A replaced by G.
Protein change: p.Tyr11Cys; replaces tyrosine 11 with cysteine.
Molecular consequence: missense variant.
Genome position (GRCh38, 1-based): chr22:36,349,205, T>C on the plus strand (A>G on the coding strand, the complement: MYH9 is on the minus strand). VCF-style: chr22-36349205-T-C. GRCh37 (hg19) VCF-style: chr22-36745250-T-C.
Other names: c.32A>G (NM_002473.5); short protein forms Y11C.
Identifiers: ClinVar variation 504627 (VCV000504627.19), dbSNP rs201415443, ClinGen allele CA10210738.